The following is an entry in ClinVar:

NC_000007.14:g.(5973543_5977587)_(5978697_5982823)

Gene: PMS2 (PMS1 homolog 2, mismatch repair system component; minus strand). Cytogenetic location: 7p22.1.
Variant type: Variation.
Identifiers: ClinVar variation 3906254 (VCV003906254.1).

ClinVar aggregate classification (germline): Uncertain significance (1 of 4 stars; one submission).

Conditions:
Lynch syndrome 4 (LYNCH4). Also called: Hereditary non-polyposis colorectal cancer, type 4; Colorectal cancer, hereditary nonpolyposis, type 4. Identifiers: Orphanet 144, MedGen C1838333, MONDO:0013699, OMIM 614337. Disease mechanism: loss of function.

Submission:

Foundation for Research in Genetics and Endocrinology, FRIGE's Institute of Human Genetics
Classification: Uncertain significance for Lynch syndrome 4. Review status: criteria provided, single submitter. Criteria: ACMG Guidelines, 2015. Collection method: clinical testing. Allele origin: germline. Inheritance: Autosomal dominant inheritance. Affected: yes. Observed: 1 heterozygote.
Comment: A heterozygous contiguous deletion of size ~40.9 kb, spanning genomic location chr7:g.(5973543_5977587)_(5978697_5982823)del) that encompasses exons 13-14 of the PMS2 gene (ENST00000265849.12) was detected.

Literature cited by the submitters: PubMed 23012243; PubMed 36291559; PubMed 30268105.